The following is an entry in ClinVar:

NM_003482.4(KMT2D):c.12505_12506delinsTT (p.Gly4169Leu)

Gene: KMT2D (lysine methyltransferase 2D; minus strand). Cytogenetic location: 12q13.12.
Variant type: Indel.
Coding change: c.12505_12506delinsTT on transcript NM_003482.4 (MANE Select); coding-DNA positions 12505 to 12506, GG replaced by TT.
Protein change: p.Gly4169Leu; replaces glycine 4169 with leucine.
Molecular consequence: missense variant.
Genome position (GRCh38, 1-based): chr12:49,032,199-49,032,200, CC replaced by AA on the plus strand (GG replaced by TT on the coding strand, the reverse complement: KMT2D is on the minus strand). VCF-style: chr12-49032199-CC-AA. GRCh37 (hg19) VCF-style: chr12-49425982-CC-AA.
Other names: short protein forms G4169L.
Identifiers: ClinVar variation 2168320 (VCV002168320.4), dbSNP rs2498356463, ClinGen allele CA2580085608.

ClinVar aggregate classification (germline): Uncertain significance (1 of 4 stars; one submission).

Conditions:
Kabuki syndrome. Also called: NIIKAWA-KUROKI SYNDROME; Kabuki make-up syndrome. Identifiers: Orphanet 2322, MedGen C0796004, MONDO:0016512.

Submission:

Labcorp Genetics (formerly Invitae), Labcorp
Classification: Uncertain significance for Kabuki syndrome. Last evaluated: 2025-06-09. Review status: criteria provided, single submitter. Criteria: Invitae Variant Classification Sherloc (09022015). Collection method: clinical testing. Allele origin: germline.
Comment: This sequence change replaces glycine, which is neutral and non-polar, with leucine, which is neutral and non-polar, at codon 4169 of the KMT2D protein (p.Gly4169Leu). Information on the frequency of this variant in the gnomAD database is not available, as this variant may be reported differently in the database. This variant has not been reported in the literature in individuals affected with KMT2D-related conditions. ClinVar contains an entry for this variant (Variation ID: 2168320). Experimental studies and prediction algorithms are not available or were not evaluated, and the functional significance of this variant is currently unknown. In summary, the available evidence is currently insufficient to determine the role of this variant in disease. Therefore, it has been classified as a Variant of Uncertain Significance.